The following is an entry in ClinVar:

ClinVar aggregate classification (germline): Likely benign. Review status: criteria provided, multiple submitters, no conflicts (2 of 4 stars). 8 submissions from 8 submitters: Likely benign (5). 3 of the submissions do not count toward it. Last evaluated 2026-02-01.

Allele frequency attached by ClinVar (database versions not stated): 1000 Genomes Project 30x 0.00016; ESP Exome Variant Server 0.00016; 1000 Genomes Project 0.00020; ExAC 0.00021; gnomAD exomes 0.00021 and 0.00022; gnomAD 0.00032 and 0.00034; TOPMed 0.00035.

Submissions (8):

CeGaT Center for Human Genetics Tuebingen
Classification: Likely benign. Last evaluated: 2026-02-01. Review status: criteria provided, single submitter. Criteria: CeGaT Center For Human Genetics Tuebingen Variant Classification Criteria Version 2. Collection method: clinical testing. Allele origin: germline. Affected: yes. Observed: 1 variant allele.
Comment: SBF1: BP4, BP7

Labcorp Genetics (formerly Invitae), Labcorp
Classification: Likely benign. Last evaluated: 2025-10-03. Review status: criteria provided, single submitter. Criteria: Invitae Variant Classification Sherloc (09022015). Collection method: clinical testing. Allele origin: germline.

Mayo Clinic Laboratories, Mayo Clinic
Classification: Likely benign. Last evaluated: 2025-03-24. Review status: criteria provided, single submitter. Criteria: ACMG Guidelines, 2015. Collection method: clinical testing. Allele origin: germline. Observed: 2 variant alleles.
Comment: BP4, BP7

Blueprint Genetics
Classification: Likely benign. Last evaluated: 2024-11-05. Review status: criteria provided, single submitter. Criteria: ACMG Guidelines, 2015. Collection method: clinical testing. Allele origin: germline.

GeneDx
Classification: Likely benign. Last evaluated: 2019-07-09. Review status: criteria provided, single submitter. Criteria: GeneDx Variant Classification Process June 2021. Collection method: clinical testing. Allele origin: germline. Affected: yes.

Clinical Genetics DNA and cytogenetics Diagnostics Lab, Erasmus MC, Erasmus Medical Center
Classification: Likely benign. Review status: no assertion criteria provided. Collection method: clinical testing. Allele origin: germline. Affected: yes. Study: VKGL Data-share Consensus. Not counted in ClinVar's aggregate classification.

Clinical Genetics, Academic Medical Center
Classification: Likely benign. Review status: no assertion criteria provided. Collection method: clinical testing. Allele origin: germline. Affected: yes. Study: VKGL Data-share Consensus. Not counted in ClinVar's aggregate classification.

Genome Diagnostics Laboratory, University Medical Center Utrecht
Classification: Likely benign. Review status: no assertion criteria provided. Collection method: clinical testing. Allele origin: germline. Affected: yes. Study: VKGL Data-share Consensus. Not counted in ClinVar's aggregate classification.

NM_002972.4(SBF1):c.5370C>T (p.Tyr1790=)

Gene: SBF1 (SET binding factor 1; minus strand). Cytogenetic location: 22q13.33.
Variant type: single nucleotide variant.
Coding change: c.5370C>T on transcript NM_002972.4 (MANE Select); coding-DNA position 5370, C replaced by T.
Protein change: p.Tyr1790=; no amino-acid change (tyrosine 1790 retained).
Molecular consequence: synonymous variant.
Genome position (GRCh38, 1-based): chr22:50,447,603, G>A on the plus strand (C>T on the coding strand, the complement: SBF1 is on the minus strand). VCF-style: chr22-50447603-G-A. GRCh37 (hg19) VCF-style: chr22-50886032-G-A.
Other names: p.Tyr1790=; c.5295C>T, p.Tyr1765= (NM_001365819.1).
Identifiers: ClinVar variation 708501 (VCV000708501.19), dbSNP rs184360634, ClinGen allele CA10315875.
Genomic context (GRCh38, chr22:50,447,603, plus strand): 5'-CACGAACCAGCGGGCCTTCCAAGGCTTCATGAAGGCCCCCTTCTTGTACAGAGTGCCCTC[G>A]TAGGACCTGCATTTCCAGCAGAACCAGGGCCAGGCTGACCGTCATGGCCCAGCCAAGCCC-3'
Protein context (NP_002963.2, residues 1780-1800): FQTAESENRS[Tyr1790=]EGTLYKKGAF